The following is an entry in ClinVar:

NM_000051.4(ATM):c.1558G>A (p.Asp520Asn)

Gene: ATM (ATM serine/threonine kinase; plus strand). Cytogenetic location: 11q22.3.
Variant type: single nucleotide variant.
Coding change: c.1558G>A on transcript NM_000051.4 (MANE Select); coding-DNA position 1558, G replaced by A.
Protein change: p.Asp520Asn; replaces aspartic acid 520 with asparagine.
Molecular consequence: missense variant.
Genome position (GRCh38, 1-based): chr11:108,251,023, G>A. VCF-style: chr11-108251023-G-A. GRCh37 (hg19) VCF-style: chr11-108121750-G-A.
Other names: c.1558G>A, p.Asp520Asn (NM_001351834.2); short protein forms D520N.
Identifiers: ClinVar variation 1425520 (VCV001425520.10), dbSNP rs2080118143, ClinGen allele CA382534347.

ClinVar aggregate classification (germline): Uncertain significance. Review status: criteria provided, multiple submitters, no conflicts (2 of 4 stars). 3 submissions from 3 submitters: Uncertain significance (3). Last evaluated 2025-07-20.

Conditions:
Ataxia-telangiectasia syndrome (AT). Also called: Ataxia telangiectasia (A-T); LOUIS-BAR SYNDROME; Cerebello-oculocutaneous telangiectasia; Immunodeficiency with ataxia telangiectasia; AT, COMPLEMENTATION GROUP C; Ataxia-telangiectasia, complementation group D. Identifiers: Orphanet 100, MedGen C0004135, MONDO:0008840, OMIM 208900.
Hereditary cancer-predisposing syndrome. Also called: Hereditary neoplastic syndrome; Tumor predisposition; Hereditary Cancer Syndrome; Neoplastic Syndromes, Hereditary. Identifiers: Orphanet 140162, MedGen C0027672, MeSH D009386, MONDO:0015356.

Allele frequency attached by ClinVar (database versions not stated): gnomAD exomes below 0.00001.
gnomAD v4.1: 2 of 1,614,144 alleles (0.00012%); highest among the groups gnomAD compares: Non-Finnish European, 0.000085%; no homozygotes.

Submissions (3):

Labcorp Genetics (formerly Invitae), Labcorp
Classification: Uncertain significance for Ataxia-telangiectasia syndrome. Last evaluated: 2025-07-20. Review status: criteria provided, single submitter. Criteria: Invitae Variant Classification Sherloc (09022015). Collection method: clinical testing. Allele origin: germline.
Comment: This sequence change replaces aspartic acid, which is acidic and polar, with asparagine, which is neutral and polar, at codon 520 of the ATM protein (p.Asp520Asn). This variant is not present in population databases (gnomAD no frequency). This variant has not been reported in the literature in individuals affected with ATM-related conditions. ClinVar contains an entry for this variant (Variation ID: 1425520). Invitae Evidence Modeling of protein sequence and biophysical properties (such as structural, functional, and spatial information, amino acid conservation, physicochemical variation, residue mobility, and thermodynamic stability) has been performed for this missense variant. However, the output from this modeling did not meet the statistical confidence thresholds required to predict the impact of this variant on ATM protein function. In summary, the available evidence is currently insufficient to determine the role of this variant in disease. Therefore, it has been classified as a Variant of Uncertain Significance.

Color Diagnostics, LLC DBA Color Health
Classification: Uncertain significance for Hereditary cancer-predisposing syndrome. Last evaluated: 2024-03-07. Review status: criteria provided, single submitter. Criteria: ACMG Guidelines, 2015. Collection method: clinical testing. Allele origin: germline.
Comment: This missense variant replaces aspartic acid with asparagine at codon 520 of the ATM protein. Computational prediction suggests that this variant may not impact protein structure and function (internally defined REVEL score threshold <= 0.5, PMID: 27666373). To our knowledge, functional studies have not been reported for this variant. This variant has not been reported in individuals affected with hereditary cancer in the literature. This variant has not been identified in the general population by the Genome Aggregation Database (gnomAD). The available evidence is insufficient to determine the role of this variant in disease conclusively. Therefore, this variant is classified as a Variant of Uncertain Significance.

Ambry Genetics
Classification: Uncertain significance for Hereditary cancer-predisposing syndrome. Last evaluated: 2022-08-11. Review status: criteria provided, single submitter. Criteria: Ambry Variant Classification Scheme 2023. Collection method: clinical testing. Allele origin: germline.
Comment: The p.D520N variant (also known as c.1558G>A), located in coding exon 9 of the ATM gene, results from a G to A substitution at nucleotide position 1558. The aspartic acid at codon 520 is replaced by asparagine, an amino acid with highly similar properties. This amino acid position is highly conserved in available vertebrate species. In addition, this alteration is predicted to be tolerated by in silico analysis. Since supporting evidence is limited at this time, the clinical significance of this alteration remains unclear.